The following is an entry in ClinVar:

ClinVar aggregate classification (germline): Pathogenic (1 of 4 stars; one submission).

Submission:

Labcorp Genetics (formerly Invitae), Labcorp
Classification: Pathogenic. Last evaluated: 2020-03-29. Review status: criteria provided, single submitter. Criteria: Invitae Variant Classification Sherloc (09022015). Collection method: clinical testing. Allele origin: germline.
Comment: This sequence change results in a premature translational stop signal in the PROP1 gene (p.Thr31Asnfs*80). While this is not anticipated to result in nonsense mediated decay, it is expected to disrupt the last 196 amino acids of the PROP1 protein. For these reasons, this variant has been classified as Pathogenic. This variant disrupts the C-terminus of the PROP1 protein. Other variant(s) that disrupt this region (p.Leu102Cysfs*8) have been determined to be pathogenic (PMID: 9462743, 28734020, 11081182, 26111865). This suggests that variants that disrupt this region of the protein are likely to be causative of disease. This variant has not been reported in the literature in individuals with PROP1-related conditions. This variant is not present in population databases (ExAC no frequency).

Literature cited by the submitters: PubMed 9462743; PubMed 28734020; PubMed 11081182; PubMed 26111865.

NM_006261.5(PROP1):c.90delinsAA (p.Thr31fs)

Gene: PROP1 (PROP paired-like homeobox 1; minus strand). Cytogenetic location: 5q35.3.
Variant type: Indel.
Coding change: c.90delinsAA on transcript NM_006261.5 (MANE Select); coding-DNA position 90, G replaced by AA.
Protein change: p.Thr31fs; shifts the reading frame from threonine 31.
Molecular consequence: frameshift variant.
Genome position (GRCh38, 1-based): chr5:177,995,844, C replaced by TT on the plus strand (G replaced by AA on the coding strand, the reverse complement: PROP1 is on the minus strand). VCF-style: chr5-177995844-C-TT. GRCh37 (hg19) VCF-style: chr5-177422845-C-TT.
Other names: short protein forms T31fs.
Identifiers: ClinVar variation 3010199 (VCV003010199.3), dbSNP rs2480292708, ClinGen allele CA2740094196.